The following is an entry in ClinVar:

ClinVar aggregate classification (germline): Uncertain significance. Review status: criteria provided, multiple submitters, no conflicts (2 of 4 stars). 2 submissions from 2 submitters: Uncertain significance (2). Last evaluated 2024-08-23.

Conditions:
Cardiovascular phenotype. Identifiers: MedGen CN230736.
Hereditary cancer-predisposing syndrome. Also called: Neoplastic Syndromes, Hereditary; Tumor predisposition; Hereditary neoplastic syndrome; Hereditary Cancer Syndrome. Identifiers: Orphanet 140162, MedGen C0027672, MeSH D009386, MONDO:0015356.

Submissions (2):

GeneDx
Classification: Uncertain significance. Last evaluated: 2024-08-23. Review status: criteria provided, single submitter. Criteria: GeneDx Variant Classification Process June 2021. Collection method: clinical testing. Allele origin: germline.
Comment: Not observed at significant frequency in large population cohorts (gnomAD); In silico analysis supports a deleterious effect on splicing; Has not been previously published as pathogenic or benign to our knowledge

Ambry Genetics
Classification: Uncertain significance for Cardiovascular phenotype; Hereditary cancer-predisposing syndrome. Last evaluated: 2022-10-27. Review status: criteria provided, single submitter. Criteria: Ambry Variant Classification Scheme 2023. Collection method: clinical testing. Allele origin: germline.
Comment: The c.6999G>A variant (also known as p.K2333K) is located in coding exon 46 of the NF1 gene. This variant results from a G to A substitution at nucleotide position 6999. This nucleotide substitution does not change the lysine at codon 2333. However, this change occurs in the last base pair of coding exon 46, which makes it likely to have some effect on normal mRNA splicing. This nucleotide position is well conserved in available vertebrate species. In silico splice site analysis predicts that this alteration will weaken the native splice donor site. Since supporting evidence is limited at this time, the clinical significance of this alteration remains unclear.

NM_001042492.3(NF1):c.7062G>A (p.Lys2354=)

Gene: NF1 (neurofibromin 1; plus strand). Cytogenetic location: 17q11.2.
Variant type: single nucleotide variant.
Coding change: c.7062G>A on transcript NM_001042492.3 (MANE Select); coding-DNA position 7062, G replaced by A.
Protein change: p.Lys2354=; no amino-acid change (lysine 2354 retained).
Molecular consequence: synonymous variant.
Genome position (GRCh38, 1-based): chr17:31,340,645, G>A. VCF-style: chr17-31340645-G-A. GRCh37 (hg19) VCF-style: chr17-29667663-G-A.
Other names: c.6999G>A, p.Lys2333= (NM_000267.4).
Identifiers: ClinVar variation 481956 (VCV000481956.8), dbSNP rs184142864, ClinGen allele CA289390391.